The following is an entry in ClinVar:

NM_012431.3(SEMA3E):c.682G>T (p.Val228Leu)

Gene: SEMA3E (semaphorin 3E; minus strand). Cytogenetic location: 7q21.11.
Variant type: single nucleotide variant.
Coding change: c.682G>T on transcript NM_012431.3 (MANE Select); coding-DNA position 682, G replaced by T.
Protein change: p.Val228Leu; replaces valine 228 with leucine.
Molecular consequence: missense variant.
Genome position (GRCh38, 1-based): chr7:83,407,228, C>A on the plus strand (G>T on the coding strand, the complement: SEMA3E is on the minus strand). VCF-style: chr7-83407228-C-A. GRCh37 (hg19) VCF-style: chr7-83036544-C-A.
Other names: c.502G>T, p.Val168Leu (NM_001178129.2); short protein forms V168L, V228L.
Identifiers: ClinVar variation 3344923 (VCV003344923.1).

ClinVar aggregate classification (germline): Uncertain significance (0 of 4 stars; one submission).

Conditions:
SEMA3E-related disorder. Also called: SEMA3E-related condition.

gnomAD v4.1: 2 of 1,612,828 alleles (0.00012%); highest among the groups gnomAD compares: Non-Finnish European, 0.00017%; no homozygotes.

Submission:

PreventionGenetics, part of Exact Sciences
Classification: Uncertain significance for SEMA3E-related condition. Last evaluated: 2024-07-23. Review status: no assertion criteria provided. Collection method: clinical testing. Allele origin: germline.
Comment: The SEMA3E c.682G>T variant is predicted to result in the amino acid substitution p.Val228Leu. To our knowledge, this variant has not been reported in the literature or in a large population database, indicating this variant is rare. At this time, the clinical significance of this variant is uncertain due to the absence of conclusive functional and genetic evidence.